The following is an entry in ClinVar:

ClinVar aggregate classification (germline): Conflicting classifications of pathogenicity. Review status: criteria provided, conflicting classifications (1 of 4 stars). 4 submissions from 4 submitters: Uncertain significance (3); Likely benign (1). Last evaluated 2026-01-02.

Conditions:
Inflammatory skin and bowel disease, neonatal, 2 (NNCIS). Identifiers: Orphanet 294023, MedGen C4015130, MONDO:0014481, OMIM 616069.
Lung cancer. Also called: Malignant tumor of lung; Lung cancer, somatic. Identifiers: MedGen C0242379, MONDO:0008903, OMIM 211980.
Hereditary cancer-predisposing syndrome. Also called: Hereditary neoplastic syndrome; Tumor predisposition; Neoplastic Syndromes, Hereditary; Hereditary Cancer Syndrome. Identifiers: Orphanet 140162, MedGen C0027672, MeSH D009386, MONDO:0015356.
EGFR-related lung cancer (EGFR). Identifiers: MedGen CN130014.

Allele frequency attached by ClinVar (database versions not stated): gnomAD 0.00003 and 0.00004; TOPMed 0.00003.
gnomAD v4.1: 20 of 1,614,032 alleles (0.0012%); highest among the groups gnomAD compares: Admixed American, 0.027%; no homozygotes.

Submissions (4):

Labcorp Genetics (formerly Invitae), Labcorp
Classification: Uncertain significance for EGFR-related lung cancer. Last evaluated: 2026-01-02. Review status: criteria provided, single submitter. Criteria: Invitae Variant Classification Sherloc (09022015). Collection method: clinical testing. Allele origin: germline.
Comment: This sequence change replaces asparagine, which is neutral and polar, with lysine, which is basic and polar, at codon 1135 of the EGFR protein (p.Asn1135Lys). This variant is present in population databases (rs765499904, gnomAD 0.04%). This variant has not been reported in the literature in individuals affected with EGFR-related conditions. ClinVar contains an entry for this variant (Variation ID: 954844). An algorithm developed to predict the effect of missense changes on protein structure and function (PolyPhen-2) suggests that this variant is likely to be disruptive. In summary, the available evidence is currently insufficient to determine the role of this variant in disease. Therefore, it has been classified as a Variant of Uncertain Significance.

Ambry Genetics
Classification: Likely benign for Hereditary cancer-predisposing syndrome. Last evaluated: 2024-08-21. Review status: criteria provided, single submitter. Criteria: Ambry Variant Classification Scheme 2023. Collection method: clinical testing. Allele origin: germline.

Fulgent Genetics
Classification: Uncertain significance for Lung cancer; Inflammatory skin and bowel disease, neonatal, 2. Last evaluated: 2024-04-10. Review status: criteria provided, single submitter. Criteria: ACMG Guidelines, 2015. Collection method: clinical testing. Allele origin: germline.

Sema4
Classification: Uncertain significance for Hereditary cancer-predisposing syndrome. Last evaluated: 2022-02-05. Review status: criteria provided, single submitter. Criteria: Sema4 Curation Guidelines. Collection method: curation. Allele origin: germline.
Comment: The EGFR c.3405C>A (p.N1135K) variant has not been reported in the literature to our knowledge. It was observed in 12/34564 chromosomes of the Latino subpopulation in the large and broad cohorts of the Genome Aggregation Database (PMID: 32461654). The variant has been reported in ClinVar (Variation ID 954844). Functional studies have not been performed, and in silico predictions of the variant's effect on protein function are inconclusive. The evidence is insufficient to meet ACMG/AMP criteria for classifying the variant as benign or pathogenic. Thus, the clinical significance of this variant is currently uncertain.

NM_005228.5(EGFR):c.3405C>A (p.Asn1135Lys)

Gene: EGFR (epidermal growth factor receptor; plus strand). Cytogenetic location: 7p11.2.
Variant type: single nucleotide variant.
Coding change: c.3405C>A on transcript NM_005228.5 (MANE Select); coding-DNA position 3405, C replaced by A.
Protein change: p.Asn1135Lys; replaces asparagine 1135 with lysine.
Molecular consequence: missense variant.
Genome position (GRCh38, 1-based): chr7:55,205,389, C>A. VCF-style: chr7-55205389-C-A. GRCh37 (hg19) VCF-style: chr7-55273082-C-A.
Other names: c.3270C>A, p.Asn1090Lys (NM_001346899.2); c.3246C>A, p.Asn1082Lys (NM_001346900.2); c.2604C>A, p.Asn868Lys (NM_001346941.2); short protein forms N1082K, N1090K, N1135K, N868K.
Identifiers: ClinVar variation 954844 (VCV000954844.12), dbSNP rs765499904, ClinGen allele CA4266393.